The following is an entry in ClinVar:

NM_001256317.3(TMPRSS3):c.213C>T (p.Phe71=)

Gene: TMPRSS3 (transmembrane serine protease 3; minus strand). Cytogenetic location: 21q22.3.
Variant type: single nucleotide variant.
Coding change: c.213C>T on transcript NM_001256317.3 (MANE Select); coding-DNA position 213, C replaced by T.
Protein change: p.Phe71=; no amino-acid change (phenylalanine 71 retained).
Molecular consequence: synonymous variant. On other transcripts: 5 prime UTR variant (1).
Genome position (GRCh38, 1-based): chr21:42,389,038, G>A on the plus strand (C>T on the coding strand, the complement: TMPRSS3 is on the minus strand). VCF-style: chr21-42389038-G-A. GRCh37 (hg19) VCF-style: chr21-43809147-G-A.
Other names: c.213C>T, p.Phe71= (NM_024022.4, NM_032405.2); c.-169C>T (NM_032404.3).
Identifiers: ClinVar variation 897440 (VCV000897440.18), dbSNP rs200937562, ClinGen allele CA10042707.

ClinVar aggregate classification (germline): Conflicting classifications of pathogenicity. Review status: criteria provided, conflicting classifications (1 of 4 stars). 6 submissions from 6 submitters: Uncertain significance (1); Likely benign (4). 1 of the submissions does not count toward it. Last evaluated 2026-06-08.

Conditions:
TMPRSS3-related disorder. Also called: TMPRSS3-related condition.
Inborn genetic diseases. Identifiers: MedGen C0950123, MeSH D030342.
Autosomal recessive nonsyndromic hearing loss 8 (DFNB8). Also called: Deafness, autosomal recessive 10; NEUROSENSORY NONSYNDROMIC RECESSIVE DEAFNESS 8. Identifiers: Orphanet 90636, MedGen C1832827, MONDO:0010987, OMIM 601072.

Allele frequency attached by ClinVar (database versions not stated): gnomAD 0.00006; gnomAD exomes 0.00007; ExAC 0.00008; ESP Exome Variant Server 0.00008; TOPMed 0.00008; 1000 Genomes Project 30x 0.00016; 1000 Genomes Project 0.00020.
gnomAD v4.1: 117 of 1,614,090 alleles (0.0072%); highest among the groups gnomAD compares: Middle Eastern, 0.049%; no homozygotes.

Submissions (6):

Women's Health and Genetics/Laboratory Corporation of America, LabCorp
Classification: Likely benign. Last evaluated: 2026-06-08. Review status: criteria provided, single submitter. Criteria: LabCorp Variant Classification Summary - May 2015. Collection method: clinical testing. Allele origin: germline.

Ambry Genetics
Classification: Likely benign for Inborn genetic diseases. Last evaluated: 2025-03-21. Review status: criteria provided, single submitter. Criteria: Ambry Variant Classification Scheme 2023. Collection method: clinical testing. Allele origin: germline.

Labcorp Genetics (formerly Invitae), Labcorp
Classification: Likely benign. Last evaluated: 2024-08-26. Review status: criteria provided, single submitter. Criteria: Invitae Variant Classification Sherloc (09022015). Collection method: clinical testing. Allele origin: germline.

GeneDx
Classification: Likely benign. Last evaluated: 2021-06-24. Review status: criteria provided, single submitter. Criteria: GeneDx Variant Classification Process June 2021. Collection method: clinical testing. Allele origin: germline. Affected: yes.

Illumina Laboratory Services, Illumina
Classification: Uncertain significance for Autosomal recessive nonsyndromic hearing loss 8. Last evaluated: 2018-01-12. Review status: criteria provided, single submitter. Criteria: ICSL Variant Classification Criteria 13 December 2019. Collection method: clinical testing. Allele origin: germline.

PreventionGenetics, part of Exact Sciences
Classification: Likely benign for TMPRSS3-related condition. Last evaluated: 2019-09-17. Review status: no assertion criteria provided. Collection method: clinical testing. Allele origin: germline. Not counted in ClinVar's aggregate classification.
Comment: This variant is classified as likely benign based on ACMG/AMP sequence variant interpretation guidelines (Richards et al. 2015 PMID: 25741868, with internal and published modifications).